The following is an entry in ClinVar:

NM_005751.5(AKAP9):c.8693G>A (p.Arg2898Lys)

Gene: AKAP9 (A-kinase anchoring protein 9; plus strand). Cytogenetic location: 7q21.2.
Variant type: single nucleotide variant.
Coding change: c.8693G>A on transcript NM_005751.5 (MANE Select); coding-DNA position 8693, G replaced by A.
Protein change: p.Arg2898Lys; replaces arginine 2898 with lysine.
Molecular consequence: missense variant.
Genome position (GRCh38, 1-based): chr7:92,084,686, G>A. VCF-style: chr7-92084686-G-A. GRCh37 (hg19) VCF-style: chr7-91714000-G-A.
Other names: c.3338G>A, p.Arg1113Lys (NM_001379277.1); c.8669G>A, p.Arg2890Lys (NM_147185.3); short protein forms R2890K, R2898K, R1113K.
Identifiers: ClinVar variation 2449758 (VCV002449758.2), dbSNP rs2130873627, ClinGen allele CA368140869.

ClinVar aggregate classification (germline): Uncertain significance (1 of 4 stars; one submission).

Conditions:
Cardiovascular phenotype. Identifiers: MedGen CN230736.

Allele frequency attached by ClinVar (database versions not stated): gnomAD 0.00001.
gnomAD v4.1: 2 of 1,610,794 alleles (0.00012%); highest among the groups gnomAD compares: African/African-American, 0.0027%; no homozygotes.

Submission:

Ambry Genetics
Classification: Uncertain significance for Cardiovascular phenotype. Last evaluated: 2023-01-01. Review status: criteria provided, single submitter. Criteria: Ambry Variant Classification Scheme 2023. Collection method: clinical testing. Allele origin: germline.
Comment: The p.R2898K variant (also known as c.8693G>A), located in coding exon 34 of the AKAP9 gene, results from a G to A substitution at nucleotide position 8693. The arginine at codon 2898 is replaced by lysine, an amino acid with highly similar properties. This amino acid position is conserved. In addition, this alteration is predicted to be tolerated by in silico analysis. Since supporting evidence is limited at this time, the clinical significance of this alteration remains unclear.